The following is an entry in ClinVar:

ClinVar aggregate classification (germline): Uncertain significance (1 of 4 stars; one submission).

gnomAD v4.1: 15 of 1,404,032 alleles (0.0011%); highest among the groups gnomAD compares: Non-Finnish European, 0.0012%; no homozygotes.

Submission:

Labcorp Genetics (formerly Invitae), Labcorp
Classification: Uncertain significance. Last evaluated: 2024-08-01. Review status: criteria provided, single submitter. Criteria: Invitae Variant Classification Sherloc (09022015). Collection method: clinical testing. Allele origin: germline.
Comment: This sequence change replaces glycine, which is neutral and non-polar, with arginine, which is basic and polar, at codon 82 of the MESP1 protein (p.Gly82Arg). This variant is not present in population databases (gnomAD no frequency). This variant has not been reported in the literature in individuals affected with MESP1-related conditions. An algorithm developed to predict the effect of missense changes on protein structure and function (PolyPhen-2) suggests that this variant is likely to be disruptive. In summary, the available evidence is currently insufficient to determine the role of this variant in disease. Therefore, it has been classified as a Variant of Uncertain Significance.

NM_018670.4(MESP1):c.244G>A (p.Gly82Arg)

Genes: MESP1 (mesoderm posterior bHLH transcription factor 1; minus strand), LOC130057889 (ATAC-STARR-seq lymphoblastoid silent region 6804; plus strand). Cytogenetic location: 15q26.1.
Variant type: single nucleotide variant.
Coding change: c.244G>A on transcript NM_018670.4 (MANE Select); coding-DNA position 244, G replaced by A.
Protein change: p.Gly82Arg; replaces glycine 82 with arginine.
Molecular consequence: missense variant.
Genome position (GRCh38, 1-based): chr15:89,750,988, C>T on the plus strand (G>A on the coding strand, the complement: MESP1 is on the minus strand). VCF-style: chr15-89750988-C-T. GRCh37 (hg19) VCF-style: chr15-90294219-C-T.
Other names: short protein forms G82R.
Identifiers: ClinVar variation 3627418 (VCV003627418.2).